The following is an entry in ClinVar:

NC_000007.13:g.(?_50530929)_(50535023_?)dup

Gene: DDC (dopa decarboxylase; minus strand). Cytogenetic location: 7p12.1.
Variant type: Duplication.
Identifiers: ClinVar variation 999131 (VCV000999131.6).

ClinVar aggregate classification (germline): Uncertain significance (1 of 4 stars; one submission).

Conditions:
Deficiency of aromatic-L-amino-acid decarboxylase. Also called: Aromatic L-Amino Acid Decarboxylase Deficiency; Aromatic amino acid decarboxylase deficiency; AADC DEFICIENCY; DDC DEFICIENCY; DOPA DECARBOXYLASE DEFICIENCY. Identifiers: Orphanet 35708, MedGen C1291564, MONDO:0012084, OMIM 608643.

Submission:

Labcorp Genetics (formerly Invitae), Labcorp
Classification: Uncertain significance for Deficiency of aromatic-L-amino-acid decarboxylase. Last evaluated: 2023-08-04. Review status: criteria provided, single submitter. Criteria: Invitae Variant Classification Sherloc (09022015). Collection method: clinical testing. Allele origin: germline.
Comment: In summary, the available evidence is currently insufficient to determine the role of this variant in disease. Therefore, it has been classified as a Variant of Uncertain Significance. Experimental studies and prediction algorithms are not available or were not evaluated, and the functional significance of this variant is currently unknown. This variant has not been reported in the literature in individuals affected with DDC-related conditions. This variant results in a copy number gain of the genomic region encompassing exon(s) 13-14 of the DDC gene. This region includes the termination codon of the gene. This copy number gain extends beyond the assayed region for this gene and therefore may encompass additional genes. As the precise location of this event is unknown, it may be in tandem or it may be located elsewhere in the genome.